The following is an entry in ClinVar:

ClinVar aggregate classification (germline): Uncertain significance (1 of 4 stars; one submission).

Allele frequency attached by ClinVar (database versions not stated): gnomAD exomes below 0.00001 and 0.00002; gnomAD 0.00002; TOPMed 0.00002.
gnomAD v4.1: 24 of 1,406,974 alleles (0.0017%); highest among the groups gnomAD compares: Middle Eastern, 0.018%; no homozygotes.

Submission:

Labcorp Genetics (formerly Invitae), Labcorp
Classification: Uncertain significance. Last evaluated: 2022-08-21. Review status: criteria provided, single submitter. Criteria: Invitae Variant Classification Sherloc (09022015). Collection method: clinical testing. Allele origin: germline.
Comment: This sequence change replaces proline, which is neutral and non-polar, with leucine, which is neutral and non-polar, at codon 196 of the SCP2 protein (p.Pro196Leu). This variant is present in population databases (no rsID available, gnomAD 0.0009%). This variant has not been reported in the literature in individuals affected with SCP2-related conditions. ClinVar contains an entry for this variant (Variation ID: 1478165). Algorithms developed to predict the effect of missense changes on protein structure and function are either unavailable or do not agree on the potential impact of this missense change (SIFT: "Deleterious"; PolyPhen-2: "Benign"; Align-GVGD: "Class C25"). Algorithms developed to predict the effect of sequence changes on RNA splicing suggest that this variant may disrupt the consensus splice site. In summary, the available evidence is currently insufficient to determine the role of this variant in disease. Therefore, it has been classified as a Variant of Uncertain Significance.

NM_002979.5(SCP2):c.587C>T (p.Pro196Leu)

Gene: SCP2 (sterol carrier protein 2; plus strand). Cytogenetic location: 1p32.3.
Variant type: single nucleotide variant.
Coding change: c.587C>T on transcript NM_002979.5 (MANE Select); coding-DNA position 587, C replaced by T.
Protein change: p.Pro196Leu; replaces proline 196 with leucine.
Molecular consequence: missense variant.
Genome position (GRCh38, 1-based): chr1:52,974,832, C>T. VCF-style: chr1-52974832-C-T. GRCh37 (hg19) VCF-style: chr1-53440504-C-T.
Other names: c.455C>T, p.Pro152Leu (NM_001007098.3, NM_001193600.2); c.515C>T, p.Pro172Leu (NM_001193599.2); c.344C>T, p.Pro115Leu (NM_001193617.2); c.587C>T, p.Pro196Leu (NM_001330587.2); short protein forms P115L, P172L, P152L, P196L.
Identifiers: ClinVar variation 1478165 (VCV001478165.3), dbSNP rs1557576782, ClinGen allele CA340380330.